The following is an entry in ClinVar:

NM_000257.4(MYH7):c.4966C>G (p.Gln1656Glu)

Genes: MHRT (myosin heavy chain associated RNA transcript; plus strand), MYH7 (myosin heavy chain 7; minus strand), LOC126861897 (BRD4-independent group 4 enhancer GRCh37_chr14:23884455-23885654; plus strand). Cytogenetic location: 14q11.2.
Variant type: single nucleotide variant.
Coding change: c.4966C>G on transcript NM_000257.4 (MANE Select); coding-DNA position 4966, C replaced by G.
Protein change: p.Gln1656Glu; replaces glutamine 1656 with glutamic acid.
Molecular consequence: missense variant. On other transcripts: non-coding transcript variant (1).
Genome position (GRCh38, 1-based): chr14:23,415,820, G>C on the plus strand (C>G on the coding strand, the complement: MYH7 is on the minus strand). VCF-style: chr14-23415820-G-C. GRCh37 (hg19) VCF-style: chr14-23885029-G-C.
Other names: short protein forms Q1656E.
Identifiers: ClinVar variation 454382 (VCV000454382.10), dbSNP rs1555336334, ClinGen allele CA389037233.

ClinVar aggregate classification (germline): Uncertain significance (1 of 4 stars; one submission).

Conditions:
Hypertrophic cardiomyopathy. Also called: HYPERTROPHIC MYOCARDIOPATHY. Identifiers: Orphanet 217569, MedGen C0007194, MeSH D002312, MONDO:0005045, HP:0001639.

Submission:

Labcorp Genetics (formerly Invitae), Labcorp
Classification: Uncertain significance for Hypertrophic cardiomyopathy. Last evaluated: 2018-09-07. Review status: criteria provided, single submitter. Criteria: Invitae Variant Classification Sherloc (09022015). Collection method: clinical testing. Allele origin: germline.
Comment: This sequence change replaces glutamine with glutamic acid at codon 1656 of the MYH7 protein (p.Gln1656Glu). The glutamine residue is highly conserved and there is a small physicochemical difference between glutamine and glutamic acid. This variant is not present in population databases (ExAC no frequency). This variant has not been reported in the literature in individuals with a MYH7-related disease. Algorithms developed to predict the effect of missense changes on protein structure and function do not agree on the potential impact of this missense change (SIFT: "Deleterious"; PolyPhen-2: "Benign"; Align-GVGD: "Class C0"). In summary, this variant has uncertain impact on MYH7 function. The available evidence is currently insufficient to determine its role in disease. Therefore, it has been classified as a Variant of Uncertain Significance.